The following is an entry in ClinVar:

ClinVar aggregate classification (germline): Conflicting classifications of pathogenicity. Review status: criteria provided, conflicting classifications (1 of 4 stars). 2 submissions from 2 submitters: Uncertain significance (1); Likely benign (1). Last evaluated 2026-01-02.

Allele frequency attached by ClinVar (database versions not stated): gnomAD exomes 0.00004; ExAC 0.00006; TOPMed 0.00006; ESP Exome Variant Server 0.00008.
gnomAD v4.1: 45 of 1,544,970 alleles (0.0029%); highest among the groups gnomAD compares: Middle Eastern, 0.084%; no homozygotes.

Submissions (2):

Labcorp Genetics (formerly Invitae), Labcorp
Classification: Uncertain significance. Last evaluated: 2026-01-02. Review status: criteria provided, single submitter. Criteria: Invitae Variant Classification Sherloc (09022015). Collection method: clinical testing. Allele origin: germline.
Comment: This sequence change replaces arginine, which is basic and polar, with histidine, which is basic and polar, at codon 499 of the CAPN5 protein (p.Arg499His). This variant is present in population databases (rs140490506, gnomAD 0.02%). This variant has not been reported in the literature in individuals affected with CAPN5-related conditions. ClinVar contains an entry for this variant (Variation ID: 844892). Invitae Evidence Modeling of protein sequence and biophysical properties (such as structural, functional, and spatial information, amino acid conservation, physicochemical variation, residue mobility, and thermodynamic stability) indicates that this missense variant is not expected to disrupt CAPN5 protein function with a negative predictive value of 80%. In summary, the available evidence is currently insufficient to determine the role of this variant in disease. Therefore, it has been classified as a Variant of Uncertain Significance.

Blueprint Genetics
Classification: Likely benign. Last evaluated: 2024-08-13. Review status: criteria provided, single submitter. Criteria: ACMG Guidelines, 2015. Collection method: clinical testing. Allele origin: germline.

NM_004055.5(CAPN5):c.1496G>A (p.Arg499His)

Gene: CAPN5 (calpain 5; plus strand). Cytogenetic location: 11q13.5.
Variant type: single nucleotide variant.
Coding change: c.1496G>A on transcript NM_004055.5 (MANE Select); coding-DNA position 1496, G replaced by A.
Protein change: p.Arg499His; replaces arginine 499 with histidine.
Molecular consequence: missense variant.
Genome position (GRCh38, 1-based): chr11:77,121,942, G>A. VCF-style: chr11-77121942-G-A. GRCh37 (hg19) VCF-style: chr11-76832988-G-A.
Other names: short protein forms R499H.
Identifiers: ClinVar variation 844892 (VCV000844892.8), dbSNP rs140490506, ClinGen allele CA6196839.